The following is an entry in ClinVar:

NM_182641.4(BPTF):c.674C>T (p.Pro225Leu)

Gene: BPTF (bromodomain PHD finger transcription factor; plus strand). Cytogenetic location: 17q24.2.
Variant type: single nucleotide variant.
Coding change: c.674C>T on transcript NM_182641.4 (MANE Select); coding-DNA position 674, C replaced by T.
Protein change: p.Pro225Leu; replaces proline 225 with leucine.
Molecular consequence: missense variant.
Genome position (GRCh38, 1-based): chr17:67,854,000, C>T. VCF-style: chr17-67854000-C-T. GRCh37 (hg19) VCF-style: chr17-65850116-C-T.
Other names: c.674C>T, p.Pro225Leu (NM_004459.7); short protein forms P225L.
Identifiers: ClinVar variation 2882709 (VCV002882709.3), dbSNP rs190692658, ClinGen allele CA8725052.
Genomic context (GRCh38, chr17:67,854,000, plus strand): 5'-GTAGGCGAAAACCAAGAGTACATCGGCCTCGTTCTCCTATATTGGAAGAAAAAGACATCC[C>T]GCCCCTTGAATTTCCCAAGTCCTCTGAGGATTTAATGGTGCCTAATGAGCATATAATGAA-3'
Protein context (NP_872579.2, residues 215-235): RSPILEEKDI[Pro225Leu]PLEFPKSSED

ClinVar aggregate classification (germline): Uncertain significance (1 of 4 stars; one submission).

Allele frequency attached by ClinVar (database versions not stated): gnomAD 0.00001; ExAC 0.00004; gnomAD exomes 0.00004; TOPMed 0.00004; 1000 Genomes Project 30x 0.00016; 1000 Genomes Project 0.00020.
gnomAD v4.1: 60 of 1,614,108 alleles (0.0037%); highest among the groups gnomAD compares: East Asian, 0.0045%; no homozygotes.

Submission:

Labcorp Genetics (formerly Invitae), Labcorp
Classification: Uncertain significance. Last evaluated: 2022-11-23. Review status: criteria provided, single submitter. Criteria: Invitae Variant Classification Sherloc (09022015). Collection method: clinical testing. Allele origin: germline.
Comment: In summary, the available evidence is currently insufficient to determine the role of this variant in disease. Therefore, it has been classified as a Variant of Uncertain Significance. Algorithms developed to predict the effect of missense changes on protein structure and function are either unavailable or do not agree on the potential impact of this missense change (SIFT: "Deleterious"; PolyPhen-2: "Probably Damaging"; Align-GVGD: "Class C0"). This variant has not been reported in the literature in individuals affected with BPTF-related conditions. This variant is present in population databases (rs190692658, gnomAD 0.01%). This sequence change replaces proline, which is neutral and non-polar, with leucine, which is neutral and non-polar, at codon 225 of the BPTF protein (p.Pro225Leu).